The following is an entry in ClinVar:

ClinVar aggregate classification (germline): Uncertain significance. Review status: criteria provided, multiple submitters, no conflicts (2 of 4 stars). 2 submissions from 2 submitters: Uncertain significance (2). Last evaluated 2025-04-04.

Conditions:
Familial adenomatous polyposis 1 (FAP1). Also called: FAMILIAL ADENOMATOUS POLYPOSIS 1, ATTENUATED; POLYPOSIS, ADENOMATOUS INTESTINAL. Identifiers: MedGen C2713442, MONDO:0021056, OMIM 175100. Disease mechanism: loss of function.
Hereditary cancer-predisposing syndrome. Also called: Hereditary Cancer Syndrome; Tumor predisposition; Hereditary neoplastic syndrome; Neoplastic Syndromes, Hereditary. Identifiers: Orphanet 140162, MedGen C0027672, MeSH D009386, MONDO:0015356.

Submissions (2):

Ambry Genetics
Classification: Uncertain significance for Hereditary cancer-predisposing syndrome. Last evaluated: 2025-04-04. Review status: criteria provided, single submitter. Criteria: Ambry Variant Classification Scheme 2023. Collection method: clinical testing. Allele origin: germline.
Comment: The p.I2391F variant (also known as c.7171A>T), located in coding exon 15 of the APC gene, results from an A to T substitution at nucleotide position 7171. The isoleucine at codon 2391 is replaced by phenylalanine, an amino acid with highly similar properties. This amino acid position is conserved. In addition, in silico predictors for this gene do not accurately predict pathogenicity. Based on the available evidence, the clinical significance of this variant remains unclear.

Labcorp Genetics (formerly Invitae), Labcorp
Classification: Uncertain significance for Familial adenomatous polyposis 1. Last evaluated: 2019-12-05. Review status: criteria provided, single submitter. Criteria: Invitae Variant Classification Sherloc (09022015). Collection method: clinical testing. Allele origin: germline.
Comment: This sequence change replaces isoleucine with phenylalanine at codon 2391 of the APC protein (p.Ile2391Phe). The isoleucine residue is highly conserved and there is a small physicochemical difference between isoleucine and phenylalanine. In summary, the available evidence is currently insufficient to determine the role of this variant in disease. Therefore, it has been classified as a Variant of Uncertain Significance. Algorithms developed to predict the effect of missense changes on protein structure and function are either unavailable or do not agree on the potential impact of this missense change (SIFT: "Deleterious"; PolyPhen-2: "Probably Damaging"; Align-GVGD: "Class C15"). This variant has not been reported in the literature in individuals with APC-related conditions. This variant is not present in population databases (ExAC no frequency).

NM_000038.6(APC):c.7171A>T (p.Ile2391Phe)

Gene: APC (APC regulator of Wnt signaling pathway; plus strand). Cytogenetic location: 5q22.2.
Variant type: single nucleotide variant.
Coding change: c.7171A>T on transcript NM_000038.6 (MANE Select); coding-DNA position 7171, A replaced by T.
Protein change: p.Ile2391Phe; replaces isoleucine 2391 with phenylalanine.
Molecular consequence: missense variant.
Genome position (GRCh38, 1-based): chr5:112,842,765, A>T. VCF-style: chr5-112842765-A-T. GRCh37 (hg19) VCF-style: chr5-112178462-A-T.
Other names: c.7171A>T, p.Ile2391Phe (NM_001127510.3, NM_001354895.2); c.7117A>T, p.Ile2373Phe (NM_001127511.3); c.7225A>T, p.Ile2409Phe (NM_001354896.2); c.7201A>T, p.Ile2401Phe (NM_001354897.2); c.7096A>T, p.Ile2366Phe (NM_001354898.2); c.7087A>T, p.Ile2363Phe (NM_001354899.2); c.7048A>T, p.Ile2350Phe (NM_001354900.2); c.6994A>T, p.Ile2332Phe (NM_001354901.2); and 5 more; short protein forms I2401F, I2290F, I2300F, I2332F, I2363F, I2366F, I2108F, I2265F.
Identifiers: ClinVar variation 645587 (VCV000645587.13), dbSNP rs1554088100, ClinGen allele CA16036951.